The following is an entry in ClinVar:

NM_006206.6(PDGFRA):c.368-20C>T

Gene: PDGFRA (platelet derived growth factor receptor alpha; plus strand). Cytogenetic location: 4q12.
Variant type: single nucleotide variant.
Coding change: c.368-20C>T on transcript NM_006206.6 (MANE Select); 20 bases into the intron before coding-DNA position 368, C replaced by T.
Molecular consequence: intron variant.
Genome position (GRCh38, 1-based): chr4:54,263,647, C>T. VCF-style: chr4-54263647-C-T. GRCh37 (hg19) VCF-style: chr4-55129814-C-T.
Other names: c.443-20C>T (NM_001347828.2); c.368-20C>T (NM_001347827.2, NM_001347829.2); c.407-20C>T (NM_001347830.2).
Identifiers: ClinVar variation 1591989 (VCV001591989.9), dbSNP rs1435950961, ClinGen allele CA551651494.
Genomic context (GRCh38, chr4:54,263,647, plus strand): 5'-CAGTGGGATAGTTTTTCTGGATTTATGTGTAAAGGTGAAATTAATGTCTAATAGAGTCTT[C>T]ATTCTTTTTTAAACCACAGACCCAGATGTAGCCTTTGTACCTCTAGGAATGACGGATTAT-3'

ClinVar aggregate classification (germline): Likely benign. Review status: criteria provided, multiple submitters, no conflicts (2 of 4 stars). 2 submissions from 2 submitters: Likely benign (2). Last evaluated 2026-06-12.

Conditions:
Polyps, multiple and recurrent inflammatory fibroid, gastrointestinal. Identifiers: MedGen C5193005, MONDO:0008285, OMIM 175510.
Gastrointestinal stromal tumor. Also called: Gastrointestinal stromal tumor, somatic; Gastrointestinal stroma tumor. Identifiers: Orphanet 44890, MedGen C0238198, MeSH D046152, MONDO:0011719, OMIM 606764, HP:0100723.

Allele frequency attached by ClinVar (database versions not stated): gnomAD exomes below 0.00001; TOPMed 0.00003.
gnomAD v4.1: 1 of 1,611,516 alleles (0.000062%); highest among the groups gnomAD compares: Admixed American, 0.0017%; no homozygotes.

Submissions (2):

Myriad Genetics, Inc.
Classification: Likely benign for Polyps, multiple and recurrent inflammatory fibroid, gastrointestinal. Last evaluated: 2026-06-12. Review status: criteria provided, single submitter. Criteria: Myriad Autosomal Dominant, Autosomal Recessive and X-Linked Classification Criteria (2023). Collection method: clinical testing. Allele origin: unknown.
Comment: This variant is considered likely benign. This variant is intronic and is not expected to impact mRNA splicing.

Labcorp Genetics (formerly Invitae), Labcorp
Classification: Likely benign for Gastrointestinal stromal tumor. Last evaluated: 2025-10-09. Review status: criteria provided, single submitter. Criteria: Invitae Variant Classification Sherloc (09022015). Collection method: clinical testing. Allele origin: germline.